The following is an entry in ClinVar:

ClinVar aggregate classification (germline): Benign/Likely benign. Review status: criteria provided, multiple submitters, no conflicts (2 of 4 stars). 8 submissions from 8 submitters: Benign (1); Likely benign (5). 2 of the submissions do not count toward it. Last evaluated 2026-01-31.

Conditions:
Becker muscular dystrophy (BMD). Also called: Becker Muscular Dystrophy (BMD); MUSCULAR DYSTROPHY, PSEUDOHYPERTROPHIC PROGRESSIVE, BECKER TYPE. Identifiers: Orphanet 98895, MedGen C0917713, MONDO:0010311, OMIM 300376.
Dystrophin deficiency.
Cardiomyopathy (CMYO). Also called: Cardiomyopathies. Identifiers: Orphanet 167848, MedGen C0878544, MONDO:0004994, HP:0001638. Inheritance: Various modes of inheritance.
Duchenne muscular dystrophy (DMD). Also called: Duchenne Muscular Dystrophy (DMD); MUSCULAR DYSTROPHY, PSEUDOHYPERTROPHIC PROGRESSIVE, DUCHENNE TYPE. Identifiers: Orphanet 98896, MedGen C0013264, MONDO:0010679, OMIM 310200.
DMD-related disorder. Also called: DMD-related condition.
Cardiovascular phenotype. Identifiers: MedGen CN230736.

Allele frequency attached by ClinVar (database versions not stated): gnomAD exomes 0.00003 and 0.00012; ExAC 0.00013; ESP Exome Variant Server 0.00019; gnomAD 0.00038 and 0.00043; TOPMed 0.00040.
gnomAD v4.1: 70 of 1,209,271 alleles (0.0058%); highest among the groups gnomAD compares: African/African-American, 0.12%; no homozygotes.

Submissions (8):

Labcorp Genetics (formerly Invitae), Labcorp
Classification: Benign for Duchenne muscular dystrophy. Last evaluated: 2026-01-31. Review status: criteria provided, single submitter. Criteria: Invitae Variant Classification Sherloc (09022015). Collection method: clinical testing. Allele origin: germline.

Women's Health and Genetics/Laboratory Corporation of America, LabCorp
Classification: Likely benign. Last evaluated: 2025-05-30. Review status: criteria provided, single submitter. Criteria: LabCorp Variant Classification Summary - May 2015. Collection method: clinical testing. Allele origin: germline.

Blueprint Genetics
Classification: Likely benign. Last evaluated: 2020-07-27. Review status: criteria provided, single submitter. Criteria: ACMG Guidelines, 2015. Collection method: clinical testing. Allele origin: germline.

Ambry Genetics
Classification: Likely benign for Cardiovascular phenotype. Last evaluated: 2019-05-14. Review status: criteria provided, single submitter. Criteria: Ambry Variant Classification Scheme 2023. Collection method: clinical testing. Allele origin: germline.

Eurofins Ntd Llc (ga)
Classification: Likely benign. Last evaluated: 2018-05-23. Review status: criteria provided, single submitter. Criteria: EGL ClinVar v180209 classification definitions. Collection method: clinical testing. Allele origin: germline. Observed: 3 variant alleles, 1 heterozygote, 2 hemizygotes.

GeneDx
Classification: Likely benign. Last evaluated: 2017-01-18. Review status: criteria provided, single submitter. Criteria: GeneDx Variant Classification (06012015). Collection method: clinical testing. Allele origin: germline. Affected: yes.
Comment: This variant is considered likely benign or benign based on one or more of the following criteria: it is a conservative change, it occurs at a poorly conserved position in the protein, it is predicted to be benign by multiple in silico algorithms, and/or has population frequency not consistent with disease.

PreventionGenetics, part of Exact Sciences
Classification: Likely benign for DMD-related condition. Last evaluated: 2023-02-23. Review status: no assertion criteria provided. Collection method: clinical testing. Allele origin: germline. Not counted in ClinVar's aggregate classification.
Comment: This variant is classified as likely benign based on ACMG/AMP sequence variant interpretation guidelines (Richards et al. 2015 PMID: 25741868, with internal and published modifications).

Natera, Inc.
Classification: Likely benign for Becker muscular dystrophy; Cardiomyopathy; Duchenne muscular dystrophy; Dystrophin deficiency. Last evaluated: 2018-05-28. Review status: no assertion criteria provided. Collection method: clinical testing. Allele origin: germline. Not counted in ClinVar's aggregate classification.

NM_004006.3(DMD):c.6732G>C (p.Gln2244His)

Gene: DMD (dystrophin; minus strand). Cytogenetic location: Xp21.1.
Variant type: single nucleotide variant.
Coding change: c.6732G>C on transcript NM_004006.3 (MANE Select); coding-DNA position 6732, G replaced by C.
Protein change: p.Gln2244His; replaces glutamine 2244 with histidine.
Molecular consequence: missense variant. On other transcripts: 5 prime UTR variant (5).
Genome position (GRCh38, 1-based): chrX:31,932,110, C>G on the plus strand (G>C on the coding strand, the complement: DMD is on the minus strand). VCF-style: chrX-31932110-C-G. GRCh37 (hg19) VCF-style: chrX-31950227-C-G.
Other names: c.6708G>C, p.Gln2236His (NM_000109.4); c.6720G>C, p.Gln2240His (NM_004009.3); c.6363G>C, p.Gln2121His (NM_004010.3); c.2709G>C, p.Gln903His (NM_004011.4); c.2700G>C, p.Gln900His (NM_004012.4); c.-649G>C (NM_004013.3, NM_004020.4, NM_004021.3 and 2 more transcripts); short protein forms Q2244H, Q903H, Q2236H, Q2240H, Q2121H, Q900H.
Identifiers: ClinVar variation 197545 (VCV000197545.22), dbSNP rs142531761, ClinGen allele CA245772.